The following is an entry in ClinVar:

NM_005896.4(IDH1):c.658G>A (p.Asp220Asn)

Gene: IDH1 (isocitrate dehydrogenase (NADP(+)) 1; minus strand). Cytogenetic location: 2q34.
Variant type: single nucleotide variant.
Coding change: c.658G>A on transcript NM_005896.4 (MANE Select); coding-DNA position 658, G replaced by A.
Protein change: p.Asp220Asn; replaces aspartic acid 220 with asparagine.
Molecular consequence: missense variant.
Genome position (GRCh38, 1-based): chr2:208,243,467, C>T on the plus strand (G>A on the coding strand, the complement: IDH1 is on the minus strand). VCF-style: chr2-208243467-C-T. GRCh37 (hg19) VCF-style: chr2-209108191-C-T.
Other names: c.658G>A, p.Asp220Asn (NM_001282386.1, NM_001282387.1); short protein forms D220N.
Identifiers: ClinVar variation 2562461 (VCV002562461.2), dbSNP rs2469021933, ClinGen allele CA350098898.

ClinVar aggregate classification (germline): Uncertain significance (1 of 4 stars; one submission).

Allele frequency attached by ClinVar (database versions not stated): gnomAD exomes below 0.00001.
gnomAD v4.1: 1 of 1,613,976 alleles (0.000062%); highest among the groups gnomAD compares: Non-Finnish European, 0.000085%; no homozygotes.

Submission:

Ambry Genetics
Classification: Uncertain significance. Last evaluated: 2023-04-06. Review status: criteria provided, single submitter. Criteria: Ambry Variant Classification Scheme 2023. Collection method: clinical testing. Allele origin: germline.
Comment: The p.D220N variant (also known as c.658G>A), located in coding exon 4 of the IDH1 gene, results from a G to A substitution at nucleotide position 658. The aspartic acid at codon 220 is replaced by asparagine, an amino acid with highly similar properties. This amino acid position is conserved. In addition, the in silico prediction for this alteration is inconclusive. Since supporting evidence is limited at this time, the clinical significance of this alteration remains unclear.